The following is an entry in ClinVar:

ClinVar aggregate classification (germline): Uncertain significance (1 of 4 stars; one submission).

Conditions:
Jeune thoracic dystrophy. Also called: Jeune syndrome; Infantile thoracic dystrophy; Thoracic pelvic phalangeal dystrophy; Jeune's syndrome; Chondroectodermal dysplasia-like syndrome; Short-rib thoracic dysplasia. Identifiers: Orphanet 474, MedGen C0265275, MONDO:0018770.

Allele frequency attached by ClinVar (database versions not stated): gnomAD exomes below 0.00001; ExAC 0.00001; TOPMed 0.00002; gnomAD 0.00004.
gnomAD v4.1: 10 of 1,613,288 alleles (0.00062%); highest among the groups gnomAD compares: African/African-American, 0.011%; no homozygotes.

Submission:

Labcorp Genetics (formerly Invitae), Labcorp
Classification: Uncertain significance for Jeune thoracic dystrophy. Last evaluated: 2022-10-18. Review status: criteria provided, single submitter. Criteria: Invitae Variant Classification Sherloc (09022015). Collection method: clinical testing. Allele origin: germline.
Comment: This sequence change replaces alanine, which is neutral and non-polar, with threonine, which is neutral and polar, at codon 3095 of the DYNC2H1 protein (p.Ala3095Thr). This variant is present in population databases (rs766584395, gnomAD 0.01%). This variant has not been reported in the literature in individuals affected with DYNC2H1-related conditions. Advanced modeling of protein sequence and biophysical properties (such as structural, functional, and spatial information, amino acid conservation, physicochemical variation, residue mobility, and thermodynamic stability) performed at Invitae indicates that this missense variant is expected to disrupt DYNC2H1 protein function. In summary, the available evidence is currently insufficient to determine the role of this variant in disease. Therefore, it has been classified as a Variant of Uncertain Significance.

NM_001377.3(DYNC2H1):c.9283G>A (p.Ala3095Thr)

Gene: DYNC2H1 (dynein cytoplasmic 2 heavy chain 1; plus strand). Cytogenetic location: 11q22.3.
Variant type: single nucleotide variant.
Coding change: c.9283G>A on transcript NM_001377.3 (MANE Select); coding-DNA position 9283, G replaced by A.
Protein change: p.Ala3095Thr; replaces alanine 3095 with threonine.
Molecular consequence: missense variant.
Genome position (GRCh38, 1-based): chr11:103,223,016, G>A. VCF-style: chr11-103223016-G-A. GRCh37 (hg19) VCF-style: chr11-103093745-G-A.
Other names: c.9283G>A, p.Ala3095Thr (NM_001080463.2); short protein forms A3095T.
Identifiers: ClinVar variation 2073237 (VCV002073237.1), dbSNP rs766584395, ClinGen allele CA6254649.